The following is an entry in ClinVar:

NM_015375.3(DSTYK):c.1612A>T (p.Thr538Ser)

Gene: DSTYK (dual serine/threonine and tyrosine protein kinase; minus strand). Cytogenetic location: 1q32.1.
Variant type: single nucleotide variant.
Coding change: c.1612A>T on transcript NM_015375.3 (MANE Select); coding-DNA position 1612, A replaced by T.
Protein change: p.Thr538Ser; replaces threonine 538 with serine.
Molecular consequence: missense variant.
Genome position (GRCh38, 1-based): chr1:205,162,952, T>A on the plus strand (A>T on the coding strand, the complement: DSTYK is on the minus strand). VCF-style: chr1-205162952-T-A. GRCh37 (hg19) VCF-style: chr1-205132080-T-A.
Other names: c.1612A>T, p.Thr538Ser (NM_199462.3); short protein forms T538S.
Identifiers: ClinVar variation 2629121 (VCV002629121.1), dbSNP rs1301300372, ClinGen allele CA344396791.

ClinVar aggregate classification (germline): Uncertain significance (1 of 4 stars; one submission).

Conditions:
DSTYK-related disorder. Also called: DSTYK-related condition.

Allele frequency attached by ClinVar (database versions not stated): gnomAD exomes below 0.00001; gnomAD 0.00001; TOPMed 0.00001.
gnomAD v4.1: 5 of 1,614,004 alleles (0.00031%); highest among the groups gnomAD compares: African/African-American, 0.0027%; no homozygotes.

Submission:

PreventionGenetics, part of Exact Sciences
Classification: Uncertain significance for DSTYK-related condition. Last evaluated: 2023-03-03. Review status: criteria provided, single submitter. Criteria: ACMG Guidelines, 2015. Collection method: clinical testing. Allele origin: germline.
Comment: The DSTYK c.1612A>T variant is predicted to result in the amino acid substitution p.Thr538Ser. To our knowledge, this variant has not been reported in the literature. This variant is reported in 0.0062% of alleles in individuals of African descent in gnomAD. At this time, the clinical significance of this variant is uncertain due to the absence of conclusive functional and genetic evidence.